The following is an entry in ClinVar:

NM_001942.4(DSG1):c.1652T>C (p.Ile551Thr)

Gene: DSG1 (desmoglein 1; plus strand). Cytogenetic location: 18q12.1.
Variant type: single nucleotide variant.
Coding change: c.1652T>C on transcript NM_001942.4 (MANE Select); coding-DNA position 1652, T replaced by C.
Protein change: p.Ile551Thr; replaces isoleucine 551 with threonine.
Molecular consequence: missense variant.
Genome position (GRCh38, 1-based): chr18:31,339,990, T>C. VCF-style: chr18-31339990-T-C. GRCh37 (hg19) VCF-style: chr18-28919953-T-C.
Other names: c.1652T>C (NM_001942.2); short protein forms I551T.
Identifiers: ClinVar variation 2885222 (VCV002885222.5), dbSNP rs769110213, ClinGen allele CA8926125.

ClinVar aggregate classification (germline): Uncertain significance. Review status: criteria provided, multiple submitters, no conflicts (2 of 4 stars). 2 submissions from 2 submitters: Uncertain significance (2). Last evaluated 2025-11-12.

Conditions:
Inborn genetic diseases. Identifiers: MedGen C0950123, MeSH D030342.

Allele frequency attached by ClinVar (database versions not stated): ExAC 0.00001; gnomAD 0.00001; gnomAD exomes 0.00002; TOPMed 0.00003.
gnomAD v4.1: 34 of 1,613,980 alleles (0.0021%); highest among the groups gnomAD compares: Non-Finnish European, 0.0027%; no homozygotes.

Submissions (2):

Ambry Genetics
Classification: Uncertain significance for Inborn genetic diseases. Last evaluated: 2025-11-12. Review status: criteria provided, single submitter. Criteria: Ambry Variant Classification Scheme 2023. Collection method: clinical testing. Allele origin: germline.

Labcorp Genetics (formerly Invitae), Labcorp
Classification: Uncertain significance. Last evaluated: 2023-11-12. Review status: criteria provided, single submitter. Criteria: Invitae Variant Classification Sherloc (09022015). Collection method: clinical testing. Allele origin: germline.
Comment: This sequence change replaces isoleucine, which is neutral and non-polar, with threonine, which is neutral and polar, at codon 551 of the DSG1 protein (p.Ile551Thr). This variant is present in population databases (rs769110213, gnomAD 0.007%). This variant has not been reported in the literature in individuals affected with DSG1-related conditions. Advanced modeling of protein sequence and biophysical properties (such as structural, functional, and spatial information, amino acid conservation, physicochemical variation, residue mobility, and thermodynamic stability) performed at Invitae indicates that this missense variant is not expected to disrupt DSG1 protein function with a negative predictive value of 80%. In summary, the available evidence is currently insufficient to determine the role of this variant in disease. Therefore, it has been classified as a Variant of Uncertain Significance.